The following is an entry in ClinVar:

NM_001376.5(DYNC1H1):c.9565G>A (p.Glu3189Lys)

Gene: DYNC1H1 (dynein cytoplasmic 1 heavy chain 1; plus strand). Cytogenetic location: 14q32.31.
Variant type: single nucleotide variant.
Coding change: c.9565G>A on transcript NM_001376.5 (MANE Select); coding-DNA position 9565, G replaced by A.
Protein change: p.Glu3189Lys; replaces glutamic acid 3189 with lysine.
Molecular consequence: missense variant.
Genome position (GRCh38, 1-based): chr14:102,029,635, G>A. VCF-style: chr14-102029635-G-A. GRCh37 (hg19) VCF-style: chr14-102495972-G-A.
Other names: short protein forms E3189K.
Identifiers: ClinVar variation 566384 (VCV000566384.10), dbSNP rs756550022, ClinGen allele CA7353248.

ClinVar aggregate classification (germline): Uncertain significance. Review status: criteria provided, multiple submitters, no conflicts (2 of 4 stars). 2 submissions from 2 submitters: Uncertain significance (2). Last evaluated 2025-02-10.

Conditions:
Charcot-Marie-Tooth disease axonal type 2O. Also called: CHARCOT-MARIE-TOOTH NEUROPATHY, AXONAL, TYPE 2O; CHARCOT-MARIE-TOOTH DISEASE, AXONAL, AUTOSOMAL DOMINANT, TYPE 2O; Charcot-Marie-Tooth disease, axonal, type 20; Charcot-Marie-Tooth Neuropathy Type 2O. Identifiers: Orphanet 284232, MedGen C3280220, MONDO:0013644, OMIM 614228.

Allele frequency attached by ClinVar (database versions not stated): ExAC 0.00001; gnomAD 0.00001; gnomAD exomes 0.00002 and 0.00003; TOPMed 0.00002.
gnomAD v4.1: 51 of 1,614,100 alleles (0.0032%); highest among the groups gnomAD compares: Non-Finnish European, 0.004%; no homozygotes.

Submissions (2):

Labcorp Genetics (formerly Invitae), Labcorp
Classification: Uncertain significance for Charcot-Marie-Tooth disease axonal type 2O. Last evaluated: 2025-02-10. Review status: criteria provided, single submitter. Criteria: Invitae Variant Classification Sherloc (09022015). Collection method: clinical testing. Allele origin: germline.
Comment: This sequence change replaces glutamic acid, which is acidic and polar, with lysine, which is basic and polar, at codon 3189 of the DYNC1H1 protein (p.Glu3189Lys). This variant is present in population databases (rs756550022, gnomAD 0.004%). This missense change has been observed in individual(s) with Charcot-Marie-Tooth disease (PMID: 32376792). ClinVar contains an entry for this variant (Variation ID: 566384). Invitae Evidence Modeling of protein sequence and biophysical properties (such as structural, functional, and spatial information, amino acid conservation, physicochemical variation, residue mobility, and thermodynamic stability) has been performed for this missense variant. However, the output from this modeling did not meet the statistical confidence thresholds required to predict the impact of this variant on DYNC1H1 protein function. In summary, the available evidence is currently insufficient to determine the role of this variant in disease. Therefore, it has been classified as a Variant of Uncertain Significance.

GeneDx
Classification: Uncertain significance. Last evaluated: 2022-12-13. Review status: criteria provided, single submitter. Criteria: GeneDx Variant Classification Process June 2021. Collection method: clinical testing. Allele origin: germline. Affected: yes.
Comment: Reported previously as a variant of uncertain significance in a patient with CMT; detailed clinical information and parental segregation unavailable (Volodarsky et al., 2021); In silico analysis supports that this missense variant has a deleterious effect on protein structure/function; This variant is associated with the following publications: (PMID: 26100331, 25609763, 25512093, 24807215, 32376792)

Literature cited by the submitters: PubMed 32376792 (cited by Labcorp Genetics (formerly Invitae), Labcorp).